The following is an entry in ClinVar:

ClinVar aggregate classification (germline): Pathogenic/Likely pathogenic. Review status: criteria provided, multiple submitters, no conflicts (2 of 4 stars). 2 submissions from 2 submitters: Pathogenic (1); Likely pathogenic (1). Last evaluated 2026-09-08.

Conditions:
Ichthyosis and erythrokeratoderma.
Congenital reticular ichthyosiform erythroderma (IWC). Also called: ICHTHYOSIS WITH CONFETTI. Identifiers: Orphanet 281190, MedGen C3665704, MONDO:0012208, OMIM 609165.

Submissions (2):

Genetics Laboratory, Great Ormond Street Hospital NHS Foundation Trust, North Thames Genomic Laboratory Hub
Classification: Likely pathogenic for Ichthyosis and erythrokeratoderma. Last evaluated: 2026-09-08. Review status: criteria provided, single submitter. Criteria: ACGS Best Practice Guidelines for Variant Classification in Rare Disease 2024 v1.2. Collection method: clinical testing. Allele origin: germline. Affected: yes.
Comment: PS4_moderate, PM2_moderate, PP3_supporting, PM1_supporting

Laboratory of Medical Genetics, National & Kapodistrian University of Athens
Classification: Pathogenic for Congenital reticular ichthyosiform erythroderma. Last evaluated: 2021-10-01. Review status: criteria provided, single submitter. Criteria: ACMG Guidelines, 2015. Collection method: clinical testing. Allele origin: unknown. Affected: yes.
Comment: PM1, PM2, PM5, PP2, PP3, PP4, PP5

Literature cited by the submitters: PubMed 34008892 (cited by Laboratory of Medical Genetics, National & Kapodistrian University of Athens).

NM_000421.5(KRT10):c.470T>C (p.Leu157Pro)

Genes: KRT10 (keratin 10; minus strand), KRT10-AS1 (KRT10 antisense RNA 1; plus strand). Cytogenetic location: 17q21.2.
Variant type: single nucleotide variant.
Coding change: c.470T>C on transcript NM_000421.5 (MANE Select); coding-DNA position 470, T replaced by C.
Protein change: p.Leu157Pro; replaces leucine 157 with proline.
Molecular consequence: missense variant.
Genome position (GRCh38, 1-based): chr17:40,822,116, A>G on the plus strand (T>C on the coding strand, the complement: KRT10 is on the minus strand). VCF-style: chr17-40822116-A-G. GRCh37 (hg19) VCF-style: chr17-38978368-A-G.
Other names: c.470T>C, p.Leu157Pro (NM_001379366.1); short protein forms L157P.
Identifiers: ClinVar variation 1299620 (VCV001299620.2), dbSNP rs2143150768, ClinGen allele CA399394753.